The following is an entry in ClinVar:

ClinVar aggregate classification (germline): Uncertain significance (1 of 4 stars; one submission).

Submission:

Women's Health and Genetics/Laboratory Corporation of America, LabCorp
Classification: Uncertain significance. Last evaluated: 2026-01-13. Review status: criteria provided, single submitter. Criteria: LabCorp Variant Classification Summary - May 2015. Collection method: clinical testing. Allele origin: germline.
Comment: Variant summary: CARD14 c.1849A>G (p.Met617Val) results in a conservative amino acid change in the encoded protein sequence. Algorithms developed to predict the effect of missense changes on protein structure and function are either unavailable or do not agree on the potential impact of this missense change. Consensus agreement among computation tools predict no significant impact on normal splicing. However, these predictions have yet to be confirmed by functional studies. The variant was absent in 246884 control chromosomes. The available data on variant occurrences in the general population are insufficient to allow any conclusion about variant significance. To our knowledge, no occurrence of c.1849A>G in individuals affected with CARD14-related conditions and no experimental evidence demonstrating its impact on protein function have been reported. No submitters have cited clinical-significance assessments for this variant to ClinVar. Based on the evidence outlined above, the variant was classified as uncertain significance.

NM_001366385.1(CARD14):c.1849A>G (p.Met617Val)

Gene: CARD14 (caspase recruitment domain family member 14; plus strand). Cytogenetic location: 17q25.3.
Variant type: single nucleotide variant.
Coding change: c.1849A>G on transcript NM_001366385.1 (MANE Select); coding-DNA position 1849, A replaced by G.
Protein change: p.Met617Val; replaces methionine 617 with valine.
Molecular consequence: missense variant. On other transcripts: non-coding transcript variant (1).
Genome position (GRCh38, 1-based): chr17:80,198,589, A>G. VCF-style: chr17-80198589-A-G. GRCh37 (hg19) VCF-style: chr17-78172388-A-G.
Other names: c.1849A>G, p.Met617Val (NM_001257970.1, NM_024110.4); c.1138A>G, p.Met380Val (NM_052819.3); short protein forms M380V, M617V.
Identifiers: ClinVar variation 4689424 (VCV004689424.1).
Genomic context (GRCh38, chr17:80,198,589, plus strand): 5'-CGGGTCACCCCGGGCTCGGCGGCGGACCAGATGGCCTTGCGCCCGGGCACCCAGATTGTG[A>G]TGGTGAGCCGTGCGAGGCCCCTCCTGTCCCCCGGGCTCCTCATGGGGACAGTGGCAGCGG-3'
Protein context (NP_001353314.1, residues 607-627): MALRPGTQIV[Met617Val]VDYEASEPLF